The following is an entry in ClinVar:

ClinVar aggregate classification (germline): Uncertain significance (1 of 4 stars; one submission).

Conditions:
Hyperekplexia 2 (HKPX2). Identifiers: Orphanet 3197, MedGen C3553291, MONDO:0013828, OMIM 614619.

Allele frequency attached by ClinVar (database versions not stated): gnomAD 0.00002; TOPMed 0.00003.
gnomAD v4.1: 60 of 1,613,780 alleles (0.0037%); highest among the groups gnomAD compares: Non-Finnish European, 0.0051%; no homozygotes.

Submission:

Labcorp Genetics (formerly Invitae), Labcorp
Classification: Uncertain significance for Hyperekplexia 2. Last evaluated: 2022-08-23. Review status: criteria provided, single submitter. Criteria: Invitae Variant Classification Sherloc (09022015). Collection method: clinical testing. Allele origin: germline.
Comment: This sequence change replaces alanine, which is neutral and non-polar, with proline, which is neutral and non-polar, at codon 373 of the GLRB protein (p.Ala373Pro). This variant is present in population databases (rs774510039, gnomAD 0.004%). This variant has not been reported in the literature in individuals affected with GLRB-related conditions. ClinVar contains an entry for this variant (Variation ID: 1401788). Advanced modeling of protein sequence and biophysical properties (such as structural, functional, and spatial information, amino acid conservation, physicochemical variation, residue mobility, and thermodynamic stability) performed at Invitae indicates that this missense variant is not expected to disrupt GLRB protein function. In summary, the available evidence is currently insufficient to determine the role of this variant in disease. Therefore, it has been classified as a Variant of Uncertain Significance.

NM_000824.5(GLRB):c.1117G>C (p.Ala373Pro)

Gene: GLRB (glycine receptor beta; plus strand). Cytogenetic location: 4q32.1.
Variant type: single nucleotide variant.
Coding change: c.1117G>C on transcript NM_000824.5 (MANE Select); coding-DNA position 1117, G replaced by C.
Protein change: p.Ala373Pro; replaces alanine 373 with proline.
Molecular consequence: missense variant. On other transcripts: intron variant (1).
Genome position (GRCh38, 1-based): chr4:157,152,930, G>C. VCF-style: chr4-157152930-G-C. GRCh37 (hg19) VCF-style: chr4-158074082-G-C.
Other names: c.1117G>C, p.Ala373Pro (NM_001166060.2); c.904+8971G>C (NM_001166061.2); short protein forms A373P.
Identifiers: ClinVar variation 1401788 (VCV001401788.5), dbSNP rs774510039, ClinGen allele CA3119945.
Genomic context (GRCh38, chr4:157,152,930, plus strand): 5'-ATGCTGAACAACCCCAAAAGGGTTGAAGCTGAAAAAGCCAGAATTGCTAAGGCTGAGCAA[G>C]CAGATGGAAAAGGTGGAAATGTGGCTAAAAAGAATACTGTGAATGGAACAGGGACTCCTG-3'
Protein context (NP_000815.1, residues 363-383): EKARIAKAEQ[Ala373Pro]DGKGGNVAKK